The following is an entry in ClinVar:

NM_005477.3(HCN4):c.3299C>T (p.Thr1100Ile)

Gene: HCN4 (hyperpolarization activated cyclic nucleotide gated potassium channel 4; minus strand). Cytogenetic location: 15q24.1.
Variant type: single nucleotide variant.
Coding change: c.3299C>T on transcript NM_005477.3 (MANE Select); coding-DNA position 3299, C replaced by T.
Protein change: p.Thr1100Ile; replaces threonine 1100 with isoleucine.
Molecular consequence: missense variant.
Genome position (GRCh38, 1-based): chr15:73,322,794, G>A on the plus strand (C>T on the coding strand, the complement: HCN4 is on the minus strand). VCF-style: chr15-73322794-G-A. GRCh37 (hg19) VCF-style: chr15-73615135-G-A.
Other names: short protein forms T1100I.
Identifiers: ClinVar variation 3636606 (VCV003636606.2).

ClinVar aggregate classification (germline): Uncertain significance (1 of 4 stars; one submission).

Conditions:
Brugada syndrome 8 (BRGDA8). Identifiers: Orphanet 130, MedGen C2751083, MONDO:0013148, OMIM 613123.

gnomAD v4.1: 2 of 1,547,070 alleles (0.00013%); highest among the groups gnomAD compares: Non-Finnish European, 0.00017%; no homozygotes.

Submission:

Labcorp Genetics (formerly Invitae), Labcorp
Classification: Uncertain significance for Brugada syndrome 8. Last evaluated: 2024-03-28. Review status: criteria provided, single submitter. Criteria: Invitae Variant Classification Sherloc (09022015). Collection method: clinical testing. Allele origin: germline.
Comment: This sequence change replaces threonine, which is neutral and polar, with isoleucine, which is neutral and non-polar, at codon 1100 of the HCN4 protein (p.Thr1100Ile). This variant is not present in population databases (gnomAD no frequency). This variant has not been reported in the literature in individuals affected with HCN4-related conditions. Advanced modeling of protein sequence and biophysical properties (such as structural, functional, and spatial information, amino acid conservation, physicochemical variation, residue mobility, and thermodynamic stability) performed at Invitae indicates that this missense variant is not expected to disrupt HCN4 protein function with a negative predictive value of 95%. In summary, the available evidence is currently insufficient to determine the role of this variant in disease. Therefore, it has been classified as a Variant of Uncertain Significance.